The following is an entry in ClinVar:

ClinVar aggregate classification (germline): Uncertain significance (1 of 4 stars; one submission).

Conditions:
MHC class I deficiency. Identifiers: Orphanet 34592, MedGen C6024714, MONDO:0011476.

Allele frequency attached by ClinVar (database versions not stated): gnomAD exomes below 0.00001.
gnomAD v4.1: 1 of 1,614,138 alleles (0.000062%); highest among the groups gnomAD compares: Non-Finnish European, 0.000085%; no homozygotes.

Submission:

Labcorp Genetics (formerly Invitae), Labcorp
Classification: Uncertain significance for MHC class I deficiency 1. Last evaluated: 2018-12-25. Review status: criteria provided, single submitter. Criteria: Invitae Variant Classification Sherloc (09022015). Collection method: clinical testing. Allele origin: germline.
Comment: This sequence change replaces alanine with serine at codon 618 of the TAP2 protein (p.Ala618Ser). The alanine residue is highly conserved and there is a moderate physicochemical difference between alanine and serine. In summary, the available evidence is currently insufficient to determine the role of this variant in disease. Therefore, it has been classified as a Variant of Uncertain Significance. Algorithms developed to predict the effect of missense changes on protein structure and function are either unavailable or do not agree on the potential impact of this missense change (SIFT: "Tolerated"; PolyPhen-2: Not Available; Align-GVGD: "Class C0"). This variant has not been reported in the literature in individuals with TAP2-related conditions. This variant is not present in population databases (ExAC no frequency).

NM_001290043.2(TAP2):c.1852G>T (p.Ala618Ser)

Gene: TAP2 (transporter 2, ATP binding cassette subfamily B member; minus strand). Cytogenetic location: 6p21.32.
Variant type: single nucleotide variant.
Coding change: c.1852G>T on transcript NM_001290043.2 (MANE Select); coding-DNA position 1852, G replaced by T.
Protein change: p.Ala618Ser; replaces alanine 618 with serine.
Molecular consequence: missense variant.
Genome position (GRCh38, 1-based): chr6:32,829,480, C>A on the plus strand (G>T on the coding strand, the complement: TAP2 is on the minus strand). VCF-style: chr6-32829480-C-A. GRCh37 (hg19) VCF-style: chr6-32797257-C-A.
Other names: c.1852G>T, p.Ala618Ser (NM_000544.3, NM_018833.3); short protein forms A618S.
Identifiers: ClinVar variation 649505 (VCV000649505.8), dbSNP rs1582565271, ClinGen allele CA363579078.